The following is an entry in ClinVar:

NM_020822.3(KCNT1):c.3178-16G>T

Gene: KCNT1 (potassium sodium-activated channel subfamily T member 1; plus strand). Cytogenetic location: 9q34.3.
Variant type: single nucleotide variant.
Coding change: c.3178-16G>T on transcript NM_020822.3 (MANE Select); 16 bases into the intron before coding-DNA position 3178, G replaced by T.
Molecular consequence: intron variant.
Genome position (GRCh38, 1-based): chr9:135,786,181, G>T. VCF-style: chr9-135786181-G-T. GRCh37 (hg19) VCF-style: chr9-138678027-G-T.
Other names: c.3043-16G>T (NM_001272003.2).
Identifiers: ClinVar variation 384064 (VCV000384064.11), dbSNP rs55906268, ClinGen allele CA5327736.

ClinVar aggregate classification (germline): Likely benign. Review status: criteria provided, multiple submitters, no conflicts (2 of 4 stars). 5 submissions from 4 submitters: Likely benign (5). Last evaluated 2026-02-01.

Conditions:
Autosomal dominant nocturnal frontal lobe epilepsy 5. Also called: KCNT1-Related Epilepsy; CILIARY DYSKINESIA, PRIMARY, 28, WITHOUT SITUS INVERSUS; CILIARY DYSKINESIA, PRIMARY, 28, WITH SITUS INVERSUS; Epilepsy, nocturnal frontal lobe, 5. Identifiers: Orphanet 98784, MedGen C3554306, MONDO:0014002, OMIM 615005.
Developmental and epileptic encephalopathy, 14 (DEE14). Also called: Early infantile epileptic encephalopathy 14. Identifiers: Orphanet 293181, MedGen C3554195, MONDO:0013989, OMIM 614959.

Allele frequency attached by ClinVar (database versions not stated): ExAC 0.00009; gnomAD exomes 0.00012 and 0.00034; 1000 Genomes Project 30x 0.00016; TOPMed 0.00017; gnomAD 0.00018 and 0.00019; 1000 Genomes Project 0.00020.
gnomAD v4.1: 535 of 1,594,270 alleles (0.034%); highest among the groups gnomAD compares: Non-Finnish European, 0.042%; no homozygotes.

Submissions (5):

Labcorp Genetics (formerly Invitae), Labcorp
Classification: Likely benign for Autosomal dominant nocturnal frontal lobe epilepsy 5; Developmental and epileptic encephalopathy, 14. Last evaluated: 2026-02-01. Review status: criteria provided, single submitter. Criteria: Invitae Variant Classification Sherloc (09022015). Collection method: clinical testing. Allele origin: germline.

Blueprint Genetics
Classification: Likely benign. Last evaluated: 2023-12-22. Review status: criteria provided, single submitter. Criteria: ACMG Guidelines, 2015. Collection method: clinical testing. Allele origin: germline.

Genome-Nilou Lab
Classification: Likely benign for Developmental and epileptic encephalopathy, 14. Last evaluated: 2022-03-15. Review status: criteria provided, single submitter. Criteria: ACMG Guidelines, 2015. Collection method: clinical testing. Allele origin: germline. Affected: no.

Genome-Nilou Lab
Classification: Likely benign for Autosomal dominant nocturnal frontal lobe epilepsy 5. Last evaluated: 2022-03-15. Review status: criteria provided, single submitter. Criteria: ACMG Guidelines, 2015. Collection method: clinical testing. Allele origin: germline. Affected: no.

GeneDx
Classification: Likely benign. Last evaluated: 2017-10-24. Review status: criteria provided, single submitter. Criteria: GeneDx Variant Classification (06012015). Collection method: clinical testing. Allele origin: germline. Affected: yes.
Comment: This variant is considered likely benign or benign based on one or more of the following criteria: it is a conservative change, it occurs at a poorly conserved position in the protein, it is predicted to be benign by multiple in silico algorithms, and/or has population frequency not consistent with disease.